The following is an entry in ClinVar:

NM_001005388.3(NFASC):c.18G>A (p.Pro6=)

Gene: NFASC (neurofascin; plus strand). Cytogenetic location: 1q32.1.
Variant type: single nucleotide variant.
Coding change: c.18G>A on transcript NM_001005388.3 (MANE Select); coding-DNA position 18, G replaced by A.
Protein change: p.Pro6=; no amino-acid change (proline 6 retained).
Molecular consequence: synonymous variant. On other transcripts: non-coding transcript variant (1).
Genome position (GRCh38, 1-based): chr1:204,944,333, G>A. VCF-style: chr1-204944333-G-A. GRCh37 (hg19) VCF-style: chr1-204913461-G-A.
Other names: c.18G>A, p.Pro6= (NM_001005389.2, NM_001160331.2, NM_001160332.2 and 6 more transcripts).
Identifiers: ClinVar variation 1701120 (VCV001701120.31), dbSNP rs551045225, ClinGen allele CA1349364.

ClinVar aggregate classification (germline): Likely benign (1 of 4 stars; one submission).

Allele frequency attached by ClinVar (database versions not stated): TOPMed below 0.00001; gnomAD 0.00001 and 0.00003; gnomAD exomes 0.00001 and 0.00002; ExAC 0.00002; 1000 Genomes Project 30x 0.00031; 1000 Genomes Project 0.00040.
gnomAD v4.1: 20 of 1,613,674 alleles (0.0012%); highest among the groups gnomAD compares: South Asian, 0.0088%; no homozygotes.

Submission:

CeGaT Center for Human Genetics Tuebingen
Classification: Likely benign. Last evaluated: 2022-07-01. Review status: criteria provided, single submitter. Criteria: CeGaT Center For Human Genetics Tuebingen Variant Classification Criteria Version 2. Collection method: clinical testing. Allele origin: germline. Affected: yes. Observed: 1 variant allele.
Comment: NFASC: BP4, BP7